The following is an entry in ClinVar:

NM_130384.3(ATRIP):c.1091G>A (p.Gly364Asp)

Genes: ATRIP (ATR interacting protein; plus strand), ATRIP-TREX1 (ATRIP-TREX1 readthrough; plus strand). Cytogenetic location: 3p21.31.
Variant type: single nucleotide variant.
Coding change: c.1091G>A on transcript NM_130384.3 (MANE Select); coding-DNA position 1091, G replaced by A.
Protein change: p.Gly364Asp; replaces glycine 364 with aspartic acid.
Molecular consequence: missense variant. On other transcripts: non-coding transcript variant (1).
Genome position (GRCh38, 1-based): chr3:48,460,145, G>A. VCF-style: chr3-48460145-G-A. GRCh37 (hg19) VCF-style: chr3-48501544-G-A.
Other names: c.710G>A, p.Gly237Asp (NM_001271022.2); c.812G>A, p.Gly271Asp (NM_001271023.2); c.1091G>A, p.Gly364Asp (NM_032166.4); short protein forms G364D, G237D, G271D.
Identifiers: ClinVar variation 5032462 (VCV005032462.1).

ClinVar aggregate classification (germline): Uncertain significance (1 of 4 stars; one submission).

gnomAD v4.1: 1 of 1,613,662 alleles (0.000062%); highest among the groups gnomAD compares: Non-Finnish European, 0.000085%; no homozygotes.

Submission:

Ambry Genetics
Classification: Uncertain significance. Last evaluated: 2026-08-16. Review status: criteria provided, single submitter. Criteria: Ambry Variant Classification Scheme 2023. Collection method: clinical testing. Allele origin: germline.
Comment: The p.G364D variant (also known as c.1091G>A), located in coding exon 8 of the ATRIP gene, results from a G to A substitution at nucleotide position 1091. The glycine at codon 364 is replaced by aspartic acid, an amino acid with similar properties. This amino acid position is conserved. In addition, this alteration is predicted to be tolerated by in silico analysis. Based on the available evidence, the clinical significance of this variant remains unclear.